The following is an entry in ClinVar:

NM_000053.4(ATP7B):c.530C>T (p.Ser177Leu)

Gene: ATP7B (ATPase copper transporting beta; minus strand). Cytogenetic location: 13q14.3.
Variant type: single nucleotide variant.
Coding change: c.530C>T on transcript NM_000053.4 (MANE Select); coding-DNA position 530, C replaced by T.
Protein change: p.Ser177Leu; replaces serine 177 with leucine.
Molecular consequence: missense variant.
Genome position (GRCh38, 1-based): chr13:51,974,690, G>A on the plus strand (C>T on the coding strand, the complement: ATP7B is on the minus strand). VCF-style: chr13-51974690-G-A. GRCh37 (hg19) VCF-style: chr13-52548826-G-A.
Other names: c.530C>T, p.Ser177Leu (NM_001005918.3, NM_001243182.2, NM_001330578.2 and 30 more transcripts); c.434C>T, p.Ser145Leu (NM_001406517.1, NM_001406518.1, NM_001406530.1 and 4 more transcripts); short protein forms S145L, S177L.
Identifiers: ClinVar variation 2201243 (VCV002201243.1), dbSNP rs903179332, ClinGen allele CA250067453.
Genomic context (GRCh38, chr13:51,974,690, plus strand): 5'-AGGTCTTCGGGCTGAATGAGATAAGGCTGATAAGTGATGACGGCCTCTTGGTTGCTGAGT[G>A]AGACTTTGACTCTCACTACTCCTTGCAGTTTCCGGACCTTGCCTTCAATGGAGCTGACAC-3'
Protein context (NP_000044.2, residues 167-187): KLQGVVRVKV[Ser177Leu]LSNQEAVITY

ClinVar aggregate classification (germline): Uncertain significance (1 of 4 stars; one submission).

Conditions:
Wilson disease (WND). Also called: Wilson's disease. Identifiers: Orphanet 905, MedGen C0019202, MONDO:0010200, OMIM 277900. Disease mechanism: loss of function.

Allele frequency attached by ClinVar (database versions not stated): TOPMed 0.00001.
gnomAD v4.1: 12 of 1,611,624 alleles (0.00074%); highest among the groups gnomAD compares: Non-Finnish European, 0.001%; no homozygotes.

Submission:

Labcorp Genetics (formerly Invitae), Labcorp
Classification: Uncertain significance for Wilson disease. Last evaluated: 2022-09-13. Review status: criteria provided, single submitter. Criteria: Invitae Variant Classification Sherloc (09022015). Collection method: clinical testing. Allele origin: germline.
Comment: This sequence change replaces serine, which is neutral and polar, with leucine, which is neutral and non-polar, at codon 177 of the ATP7B protein (p.Ser177Leu). This variant is present in population databases (no rsID available, gnomAD 0.0009%). This variant has not been reported in the literature in individuals affected with ATP7B-related conditions. Advanced modeling of protein sequence and biophysical properties (such as structural, functional, and spatial information, amino acid conservation, physicochemical variation, residue mobility, and thermodynamic stability) performed at Invitae indicates that this missense variant is expected to disrupt ATP7B protein function. In summary, the available evidence is currently insufficient to determine the role of this variant in disease. Therefore, it has been classified as a Variant of Uncertain Significance.